The following is an entry in ClinVar:

NM_173495.3(PTCHD1):c.105C>G (p.Ile35Met)

Gene: PTCHD1 (patched domain containing 1; plus strand). Cytogenetic location: Xp22.11.
Variant type: single nucleotide variant.
Coding change: c.105C>G on transcript NM_173495.3 (MANE Select); coding-DNA position 105, C replaced by G.
Protein change: p.Ile35Met; replaces isoleucine 35 with methionine.
Molecular consequence: missense variant.
Genome position (GRCh38, 1-based): chrX:23,334,980, C>G. VCF-style: chrX-23334980-C-G. GRCh37 (hg19) VCF-style: chrX-23353097-C-G.
Other names: short protein forms I35M.
Identifiers: ClinVar variation 2660165 (VCV002660165.29), dbSNP rs374630147, ClinGen allele CA10368966.
Genomic context (GRCh38, chrX:23,334,980, plus strand): 5'-CCGGCTCGGCCACTTCATTGCCAGTCACCCTGTCTTCTTCGCCTCGGCGCCGGTGCTCAT[C>G]TCCATCCTGCTCGGCGCCAGCTTCAGCCGCTACCAGGTCGAGGAGAGCGTGGAGCACCTG-3'
Protein context (NP_775766.2, residues 25-45): PVFFASAPVL[Ile35Met]SILLGASFSR

ClinVar aggregate classification (germline): Uncertain significance. Review status: criteria provided, multiple submitters, no conflicts (2 of 4 stars). 5 submissions from 5 submitters: Uncertain significance (5). Last evaluated 2024-12-05.

Conditions:
PTCHD1-related disorder. Also called: PTCHD1-related condition.
Inborn genetic diseases. Identifiers: MedGen C0950123, MeSH D030342.

Allele frequency attached by ClinVar (database versions not stated): gnomAD 0.00001; TOPMed 0.00001; ExAC 0.00003; ESP Exome Variant Server 0.00010.
gnomAD v4.1: 7 of 1,208,068 alleles (0.00058%); highest among the groups gnomAD compares: Middle Eastern, 0.023%; no homozygotes.

Submissions (5):

PreventionGenetics, part of Exact Sciences
Classification: Uncertain significance for PTCHD1-related condition. Last evaluated: 2024-12-05. Review status: criteria provided, single submitter. Criteria: ACMG Guidelines, 2015. Collection method: clinical testing. Allele origin: germline.
Comment: The PTCHD1 c.105C>G variant is predicted to result in the amino acid substitution p.Ile35Met. To our knowledge, this variant has not been reported in the literature. This variant is reported in 0.0013% of alleles in individuals of European (Non-Finnish) descent in gnomAD. At this time, the clinical significance of this variant is uncertain due to the absence of conclusive functional and genetic evidence.

Blueprint Genetics
Classification: Uncertain significance. Last evaluated: 2024-03-16. Review status: criteria provided, single submitter. Criteria: ACMG Guidelines, 2015. Collection method: clinical testing. Allele origin: germline.

Ambry Genetics
Classification: Uncertain significance for Inborn genetic diseases. Last evaluated: 2023-10-20. Review status: criteria provided, single submitter. Criteria: Ambry Variant Classification Scheme 2023. Collection method: clinical testing. Allele origin: germline.

CeGaT Center for Human Genetics Tuebingen
Classification: Uncertain significance. Last evaluated: 2023-07-01. Review status: criteria provided, single submitter. Criteria: CeGaT Center For Human Genetics Tuebingen Variant Classification Criteria Version 2. Collection method: clinical testing. Allele origin: germline. Affected: yes. Observed: 1 variant allele.
Comment: PTCHD1: PM2, PP3

Revvity Omics, Revvity
Classification: Uncertain significance. Last evaluated: 2019-06-01. Review status: criteria provided, single submitter. Criteria: ACMG Guidelines, 2015. Collection method: clinical testing. Allele origin: germline.